The following is an entry in ClinVar:

ClinVar aggregate classification (germline): Pathogenic. Review status: criteria provided, multiple submitters, no conflicts (2 of 4 stars). 4 submissions from 4 submitters: Pathogenic (3). 1 of the submissions does not count toward it. Last evaluated 2024-05-13.

Conditions:
Citrullinemia. Identifiers: Orphanet 187, MedGen C0175683, MONDO:0015991.
Citrullinemia type I (CTNL1). Also called: ASS DEFICIENCY; argininosuccinate synthetase deficiency. Identifiers: Orphanet 247525, MedGen C4721769, MONDO:0008988, OMIM 215700.

Submissions (4):

Natera, Inc.
Classification: Pathogenic for Citrullinemia type I. Last evaluated: 2024-05-13. Review status: criteria provided, single submitter. Criteria: Natera Variant Classification Schema (03/2026). Collection method: clinical testing. Allele origin: germline.
Comment: The c.931C>T variant in ASS1 is a nonsense variant predicted to introduce a stop codon at amino acid 311. This variant is expected to result in nonsense mediated decay, truncation, or a dysfunctional protein product. This variant is rare in the general population with a frequency below the threshold expected for the associated phenotype(s). This variant has been observed in one or more individuals affected with the associated recessive disease, as either homozygous or compound heterozygous with a second variant (PMID: 19006241, 28111830). Given the available evidence, this variant is classified as Pathogenic.

Labcorp Genetics (formerly Invitae), Labcorp
Classification: Pathogenic for Citrullinemia. Last evaluated: 2022-01-05. Review status: criteria provided, single submitter. Criteria: Invitae Variant Classification Sherloc (09022015). Collection method: clinical testing. Allele origin: germline.
Comment: This sequence change creates a premature translational stop signal (p.Gln311*) in the ASS1 gene. It is expected to result in an absent or disrupted protein product. Loss-of-function variants in ASS1 are known to be pathogenic (PMID: 18473344, 19006241). This variant is not present in population databases (gnomAD no frequency). This premature translational stop signal has been observed in individual(s) with citrullinemia type I (PMID: 19006241). ClinVar contains an entry for this variant (Variation ID: 552773). For these reasons, this variant has been classified as Pathogenic.

Baylor Genetics
Classification: Pathogenic for Citrullinemia type I. Review status: criteria provided, single submitter. Criteria: ACMG Guidelines, 2015. Collection method: clinical testing. Allele origin: germline.

Counsyl
Classification: Likely pathogenic for Citrullinemia type I. Last evaluated: 2017-07-05. Review status: no assertion criteria provided. Collection method: clinical testing. Allele origin: unknown. Not counted in ClinVar's aggregate classification.

Literature cited by the submitters: PubMed 19006241 (cited by 3 submitters); PubMed 28111830 (cited by Natera, Inc.); PubMed 18473344 (cited by Labcorp Genetics (formerly Invitae), Labcorp).

NM_054012.4(ASS1):c.931C>T (p.Gln311Ter)

Gene: ASS1 (argininosuccinate synthase 1; plus strand). Cytogenetic location: 9q34.11.
Variant type: single nucleotide variant.
Coding change: c.931C>T on transcript NM_054012.4 (MANE Select); coding-DNA position 931, C replaced by T.
Protein change: p.Gln311Ter; replaces glutamine 311 with a stop codon.
Molecular consequence: nonsense.
Genome position (GRCh38, 1-based): chr9:130,489,425, C>T. VCF-style: chr9-130489425-C-T. GRCh37 (hg19) VCF-style: chr9-133364812-C-T.
Other names: c.931C>T, p.Gln311Ter (NM_000050.4); short protein forms Q311*.
Identifiers: ClinVar variation 552773 (VCV000552773.9), dbSNP rs1301613270, ClinGen allele CA375230699.